The following is an entry in ClinVar:

ClinVar aggregate classification (germline): Uncertain significance. Review status: criteria provided, multiple submitters, no conflicts (2 of 4 stars). 2 submissions from 2 submitters: Uncertain significance (2). Last evaluated 2025-08-14.

gnomAD v4.1: 16 of 1,613,412 alleles (0.00099%); highest among the groups gnomAD compares: Admixed American, 0.0017%; no homozygotes.

Submissions (2):

Ambry Genetics
Classification: Uncertain significance. Last evaluated: 2025-08-14. Review status: criteria provided, single submitter. Criteria: Ambry Variant Classification Scheme 2023. Collection method: clinical testing. Allele origin: germline.

Labcorp Genetics (formerly Invitae), Labcorp
Classification: Uncertain significance. Last evaluated: 2025-02-26. Review status: criteria provided, single submitter. Criteria: Invitae Variant Classification Sherloc (09022015). Collection method: clinical testing. Allele origin: germline.
Comment: This sequence change replaces proline, which is neutral and non-polar, with leucine, which is neutral and non-polar, at codon 7 of the FAM186B protein (p.Pro7Leu). This variant is present in population databases (rs377032725, gnomAD 0.004%). This variant has not been reported in the literature in individuals affected with FAM186B-related conditions. An algorithm developed to predict the effect of missense changes on protein structure and function outputs the following: PolyPhen-2: "Benign". The leucine amino acid residue is found in multiple mammalian species, which suggests that this missense change does not adversely affect protein function. In summary, the available evidence is currently insufficient to determine the role of this variant in disease. Therefore, it has been classified as a Variant of Uncertain Significance.

NM_032130.3(FAM186B):c.20C>T (p.Pro7Leu)

Gene: FAM186B (family with sequence similarity 186 member B; minus strand). Cytogenetic location: 12q13.12.
Variant type: single nucleotide variant.
Coding change: c.20C>T on transcript NM_032130.3 (MANE Select); coding-DNA position 20, C replaced by T.
Protein change: p.Pro7Leu; replaces proline 7 with leucine.
Molecular consequence: missense variant. On other transcripts: non-coding transcript variant (1).
Genome position (GRCh38, 1-based): chr12:49,605,458, G>A on the plus strand (C>T on the coding strand, the complement: FAM186B is on the minus strand). VCF-style: chr12-49605458-G-A. GRCh37 (hg19) VCF-style: chr12-49999241-G-A.
Other names: short protein forms P7L.
Identifiers: ClinVar variation 4253339 (VCV004253339.2).